The following is an entry in ClinVar:

ClinVar aggregate classification (germline): Uncertain significance. Review status: criteria provided, multiple submitters, no conflicts (2 of 4 stars). 2 submissions from 2 submitters: Uncertain significance (2). Last evaluated 2025-08-27.

Conditions:
Inborn genetic diseases. Identifiers: MedGen C0950123, MeSH D030342.

Allele frequency attached by ClinVar (database versions not stated): gnomAD 0.00001; gnomAD exomes 0.00001; TOPMed 0.00001.
gnomAD v4.1: 7 of 1,210,292 alleles (0.00058%); highest among the groups gnomAD compares: Non-Finnish European, 0.00078%; no homozygotes.

Submissions (2):

Ambry Genetics
Classification: Uncertain significance for Inborn genetic diseases. Last evaluated: 2025-08-27. Review status: criteria provided, single submitter. Criteria: Ambry Variant Classification Scheme 2023. Collection method: clinical testing. Allele origin: germline.

GeneDx
Classification: Uncertain significance. Last evaluated: 2023-03-21. Review status: criteria provided, single submitter. Criteria: GeneDx Variant Classification Process June 2021. Collection method: clinical testing. Allele origin: germline. Affected: yes.
Comment: Not observed at significant frequency in large population cohorts (gnomAD); In silico analysis supports that this missense variant has a deleterious effect on protein structure/function; Has not been previously published as pathogenic or benign to our knowledge

NM_001291867.2(NHS):c.1982C>T (p.Ser661Leu)

Gene: NHS (NHS actin remodeling regulator; plus strand). Cytogenetic location: Xp22.13.
Variant type: single nucleotide variant.
Coding change: c.1982C>T on transcript NM_001291867.2 (MANE Select); coding-DNA position 1982, C replaced by T.
Protein change: p.Ser661Leu; replaces serine 661 with leucine.
Molecular consequence: missense variant.
Genome position (GRCh38, 1-based): chrX:17,726,088, C>T. VCF-style: chrX-17726088-C-T. GRCh37 (hg19) VCF-style: chrX-17744208-C-T.
Other names: c.1451C>T, p.Ser484Leu (NM_001136024.4); c.1388C>T, p.Ser463Leu (NM_001291868.2); c.1919C>T, p.Ser640Leu (NM_198270.4); short protein forms S463L, S484L, S640L, S661L.
Identifiers: ClinVar variation 2580817 (VCV002580817.2), dbSNP rs2066441114, ClinGen allele CA412355746.
Genomic context (GRCh38, chrX:17,726,088, plus strand): 5'-GCCCCTCGCAGACCTCAGAAACCATCCCTCCTGCAGCTTCTCCTCCACTCACTGGCTCTT[C>T]ACACTGTGACTCGGAGTTGTCACTAAACACAGCCCCTCATGCCAATGAGGATGCCAGTGT-3'
Protein context (NP_001278796.1, residues 651-671): PAASPPLTGS[Ser661Leu]HCDSELSLNT